The following is an entry in ClinVar:

ClinVar aggregate classification (germline): Uncertain significance (1 of 4 stars; one submission).

Submission:

Labcorp Genetics (formerly Invitae), Labcorp
Classification: Uncertain significance. Last evaluated: 2021-11-15. Review status: criteria provided, single submitter. Criteria: Invitae Variant Classification Sherloc (09022015). Collection method: clinical testing. Allele origin: germline.
Comment: In summary, the available evidence is currently insufficient to determine the role of this variant in disease. Therefore, it has been classified as a Variant of Uncertain Significance. Algorithms developed to predict the effect of missense changes on protein structure and function are either unavailable or do not agree on the potential impact of this missense change (SIFT: "Not Available"; PolyPhen-2: "Probably Damaging"; Align-GVGD: "Not Available"). This variant has not been reported in the literature in individuals affected with ADAMTS17-related conditions. This variant is not present in population databases (gnomAD no frequency). This sequence change replaces glutamic acid, which is acidic and polar, with glycine, which is neutral and non-polar, at codon 917 of the ADAMTS17 protein (p.Glu917Gly).

NM_139057.4(ADAMTS17):c.2750A>G (p.Glu917Gly)

Gene: ADAMTS17 (ADAM metallopeptidase with thrombospondin type 1 motif 17; minus strand). Cytogenetic location: 15q26.3.
Variant type: single nucleotide variant.
Coding change: c.2750A>G on transcript NM_139057.4 (MANE Select); coding-DNA position 2750, A replaced by G.
Protein change: p.Glu917Gly; replaces glutamic acid 917 with glycine.
Molecular consequence: missense variant.
Genome position (GRCh38, 1-based): chr15:99,997,431, T>C on the plus strand (A>G on the coding strand, the complement: ADAMTS17 is on the minus strand). VCF-style: chr15-99997431-T-C. GRCh37 (hg19) VCF-style: chr15-100537636-T-C.
Other names: short protein forms E917G.
Identifiers: ClinVar variation 1461157 (VCV001461157.4), dbSNP rs2141346205, ClinGen allele CA393694098.